The following is an entry in ClinVar:

NM_000465.4(BARD1):c.1070T>C (p.Ile357Thr)

Gene: BARD1 (BRCA1 associated RING domain 1; minus strand). Cytogenetic location: 2q35.
Variant type: single nucleotide variant.
Coding change: c.1070T>C on transcript NM_000465.4 (MANE Select); coding-DNA position 1070, T replaced by C.
Protein change: p.Ile357Thr; replaces isoleucine 357 with threonine.
Molecular consequence: missense variant. On other transcripts: non-coding transcript variant (2), intron variant (3).
Genome position (GRCh38, 1-based): chr2:214,780,804, A>G on the plus strand (T>C on the coding strand, the complement: BARD1 is on the minus strand). VCF-style: chr2-214780804-A-G. GRCh37 (hg19) VCF-style: chr2-215645528-A-G.
Other names: c.1013T>C, p.Ile338Thr (NM_001282543.2); c.159-28249T>C (NM_001282548.2); c.215+16257T>C (NM_001282545.2); c.364+11493T>C (NM_001282549.2); short protein forms I357T, I338T.
Identifiers: ClinVar variation 141178 (VCV000141178.22), dbSNP rs587781555, ClinGen allele CA164689.
Genomic context (GRCh38, chr2:214,780,804, plus strand): 5'-CCTGATGTACCACCAACTTTACGTTTGCATGAAGGTGGTGAAGAACATTCAGGCAATGGT[A>G]TATTTTCTGAGGGCACCGTTTGCTTAACAAAATCTCCACTGGTGCTCAGAATGCTGGTTC-3'
Protein context (NP_000456.2, residues 347-367): FVKQTVPSEN[Ile357Thr]PLPECSSPPS

ClinVar aggregate classification (germline): Conflicting classifications of pathogenicity. Review status: criteria provided, conflicting classifications (1 of 4 stars). 6 submissions from 6 submitters: Uncertain significance (5); Likely benign (1). Last evaluated 2025-10-09.

Conditions:
BARD1-related cancer predisposition. Identifiers: MedGen CN377756, MONDO:0700267.
Hereditary cancer-predisposing syndrome. Also called: Neoplastic Syndromes, Hereditary; Tumor predisposition; Hereditary Cancer Syndrome; Hereditary neoplastic syndrome. Identifiers: Orphanet 140162, MedGen C0027672, MeSH D009386, MONDO:0015356.
Familial cancer of breast. Also called: BREAST CANCER, FAMILIAL; Hereditary breast cancer; hereditary breast carcinoma. Identifiers: Orphanet 227535, MedGen C0346153, MONDO:0016419, OMIM 114480. Disease mechanism: loss of function.

Allele frequency attached by ClinVar (database versions not stated): gnomAD exomes below 0.00001; TOPMed below 0.00001.
gnomAD v4.1: 4 of 1,613,892 alleles (0.00025%); highest among the groups gnomAD compares: Non-Finnish European, 0.00025%; no homozygotes.

Submissions (6):

Labcorp Genetics (formerly Invitae), Labcorp
Classification: Uncertain significance for Familial cancer of breast. Last evaluated: 2025-10-09. Review status: criteria provided, single submitter. Criteria: Invitae Variant Classification Sherloc (09022015). Collection method: clinical testing. Allele origin: germline.
Comment: This sequence change replaces isoleucine, which is neutral and non-polar, with threonine, which is neutral and polar, at codon 357 of the BARD1 protein (p.Ile357Thr). This variant is not present in population databases (gnomAD no frequency). This variant has not been reported in the literature in individuals affected with BARD1-related conditions. ClinVar contains an entry for this variant (Variation ID: 141178). An algorithm developed to predict the effect of missense changes on protein structure and function outputs the following: PolyPhen-2: "Benign". The threonine amino acid residue is found in multiple mammalian species, which suggests that this missense change does not adversely affect protein function. In summary, the available evidence is currently insufficient to determine the role of this variant in disease. Therefore, it has been classified as a Variant of Uncertain Significance.

Molecular Pathology, Peter Maccallum Cancer Centre
Classification: Uncertain significance for BARD1-related cancer predisposition. Last evaluated: 2024-06-04. Review status: criteria provided, single submitter. Criteria: ACMG Guidelines, 2015. Collection method: clinical testing. Allele origin: germline. Inheritance: Autosomal dominant inheritance.

Color Diagnostics, LLC DBA Color Health
Classification: Uncertain significance for Hereditary cancer-predisposing syndrome. Last evaluated: 2023-12-05. Review status: criteria provided, single submitter. Criteria: ACMG Guidelines, 2015. Collection method: clinical testing. Allele origin: germline.
Comment: This missense variant replaces isoleucine with threonine at codon 357 of the BARD1 protein. Computational prediction suggests that this variant may not impact protein structure and function (internally defined REVEL score threshold <= 0.5, PMID: 27666373). To our knowledge, functional studies have not been reported for this variant. This variant has not been reported in individuals affected with BARD1-related disorders in the literature. This variant has not been identified in the general population by the Genome Aggregation Database (gnomAD). The available evidence is insufficient to determine the role of this variant in disease conclusively. Therefore, this variant is classified as a Variant of Uncertain Significance.

GeneDx
Classification: Uncertain significance. Last evaluated: 2023-09-06. Review status: criteria provided, single submitter. Criteria: GeneDx Variant Classification Process June 2021. Collection method: clinical testing. Allele origin: germline. Affected: yes.
Comment: Not observed at significant frequency in large population cohorts (gnomAD); In silico analysis supports that this missense variant does not alter protein structure/function; Has not been previously published as pathogenic or benign to our knowledge

Institute for Biomarker Research, Medical Diagnostic Laboratories, L.L.C.
Classification: Uncertain significance for Hereditary cancer-predisposing syndrome. Last evaluated: 2023-03-21. Review status: criteria provided, single submitter. Criteria: ACMG Guidelines, 2015. Collection method: clinical testing. Allele origin: germline.

Ambry Genetics
Classification: Likely benign for Hereditary cancer-predisposing syndrome. Last evaluated: 2018-01-12. Review status: criteria provided, single submitter. Criteria: Ambry Variant Classification Scheme 2023. Collection method: clinical testing. Allele origin: germline.